The following is an entry in ClinVar:

NM_003742.4(ABCB11):c.2908C>T (p.Pro970Ser)

Gene: ABCB11 (ATP binding cassette subfamily B member 11; minus strand). Cytogenetic location: 2q31.1.
Variant type: single nucleotide variant.
Coding change: c.2908C>T on transcript NM_003742.4 (MANE Select); coding-DNA position 2908, C replaced by T.
Protein change: p.Pro970Ser; replaces proline 970 with serine.
Molecular consequence: missense variant.
Genome position (GRCh38, 1-based): chr2:168,935,332, G>A on the plus strand (C>T on the coding strand, the complement: ABCB11 is on the minus strand). VCF-style: chr2-168935332-G-A. GRCh37 (hg19) VCF-style: chr2-169791842-G-A.
Other names: c.2908C>T, p.Pro970Ser (LRG_1199t1); c.2908C>T (NM_003742.2); short protein forms P970S.
Identifiers: ClinVar variation 593179 (VCV000593179.11), dbSNP rs779096015, ClinGen allele CA1951152.

ClinVar aggregate classification (germline): Conflicting classifications of pathogenicity. Review status: criteria provided, conflicting classifications (1 of 4 stars). 3 submissions from 3 submitters: Uncertain significance (1); Benign (1). 1 of the submissions does not count toward it. Last evaluated 2025-04-03.

Conditions:
ABCB11-related disorder. Also called: ABCB11-related condition.

Allele frequency attached by ClinVar (database versions not stated): gnomAD 0.00004; TOPMed 0.00011; ExAC 0.00018; gnomAD exomes 0.00026.
gnomAD v4.1: 79 of 1,613,870 alleles (0.0049%); highest among the groups gnomAD compares: Admixed American, 0.13%; no homozygotes.

Submissions (3):

Labcorp Genetics (formerly Invitae), Labcorp
Classification: Benign. Last evaluated: 2025-04-03. Review status: criteria provided, single submitter. Criteria: Invitae Variant Classification Sherloc (09022015). Collection method: clinical testing. Allele origin: germline.

Eurofins Ntd Llc (ga)
Classification: Uncertain significance. Last evaluated: 2018-04-10. Review status: criteria provided, single submitter. Criteria: EGL ClinVar v180209 classification definitions. Collection method: clinical testing. Allele origin: germline. Observed: 3 variant alleles, 3 heterozygotes.

PreventionGenetics, part of Exact Sciences
Classification: Likely benign for ABCB11-related condition. Last evaluated: 2023-11-27. Review status: no assertion criteria provided. Collection method: clinical testing. Allele origin: germline. Not counted in ClinVar's aggregate classification.
Comment: This variant is classified as likely benign based on ACMG/AMP sequence variant interpretation guidelines (Richards et al. 2015 PMID: 25741868, with internal and published modifications).